The following is an entry in ClinVar:

ClinVar aggregate classification (germline): Uncertain significance. Review status: criteria provided, multiple submitters, no conflicts (2 of 4 stars). 2 submissions from 2 submitters: Uncertain significance (2). Last evaluated 2026-05-19.

Conditions:
Hereditary pancreatitis (PCTT). Also called: Hereditary chronic pancreatitis; PRSS1-Related Hereditary Pancreatitis. Identifiers: Orphanet 676, MedGen C0238339, MONDO:0008185, OMIM 167800.

gnomAD v4.1: 10 of 1,613,910 alleles (0.00062%); highest among the groups gnomAD compares: African/African-American, 0.0013%; no homozygotes.

Submissions (2):

Ambry Genetics
Classification: Uncertain significance for Hereditary pancreatitis. Last evaluated: 2026-05-19. Review status: criteria provided, single submitter. Criteria: Ambry Variant Classification Scheme 2023. Collection method: clinical testing. Allele origin: germline.
Comment: The p.S40F variant (also known as c.119C>T), located in coding exon 2 of the PRSS1 gene, results from a C to T substitution at nucleotide position 119. The serine at codon 40 is replaced by phenylalanine, an amino acid with highly dissimilar properties. This amino acid position is well conserved in available vertebrate species. In addition, this alteration is predicted to be deleterious by in silico analysis. Based on the available evidence, the clinical significance of this variant remains unclear.

Labcorp Genetics (formerly Invitae), Labcorp
Classification: Uncertain significance for Hereditary pancreatitis. Last evaluated: 2025-10-15. Review status: criteria provided, single submitter. Criteria: Invitae Variant Classification Sherloc (09022015). Collection method: clinical testing. Allele origin: germline.
Comment: This sequence change replaces serine, which is neutral and polar, with phenylalanine, which is neutral and non-polar, at codon 40 of the PRSS1 protein (p.Ser40Phe). The frequency data for this variant in the population databases is considered unreliable, as metrics indicate poor data quality at this position in the gnomAD database. This variant has not been reported in the literature in individuals affected with PRSS1-related conditions. ClinVar contains an entry for this variant (Variation ID: 2202694). Invitae Evidence Modeling of protein sequence and biophysical properties (such as structural, functional, and spatial information, amino acid conservation, physicochemical variation, residue mobility, and thermodynamic stability) indicates that this missense variant is not expected to disrupt PRSS1 protein function with a negative predictive value of 80%. In summary, the available evidence is currently insufficient to determine the role of this variant in disease. Therefore, it has been classified as a Variant of Uncertain Significance.

NM_002769.5(PRSS1):c.119C>T (p.Ser40Phe)

Genes: PRSS1 (serine protease 1; plus strand), TRB (T cell receptor beta locus; plus strand). Cytogenetic location: 7q34.
Variant type: single nucleotide variant.
Coding change: c.119C>T on transcript NM_002769.5 (MANE Select); coding-DNA position 119, C replaced by T.
Protein change: p.Ser40Phe; replaces serine 40 with phenylalanine.
Molecular consequence: missense variant. On other transcripts: non-coding transcript variant (4).
Genome position (GRCh38, 1-based): chr7:142,750,633, C>T. VCF-style: chr7-142750633-C-T. GRCh37 (hg19) VCF-style: chr7-142458484-C-T.
Other names: c.119C>T (NM_002769.4); short protein forms S40F.
Identifiers: ClinVar variation 2202694 (VCV002202694.6), dbSNP rs768277012, ClinGen allele CA4529682.